The following is an entry in ClinVar:

NM_004153.4(ORC1):c.1168C>T (p.Arg390Trp)

Gene: ORC1 (origin recognition complex subunit 1; minus strand). Cytogenetic location: 1p32.3.
Variant type: single nucleotide variant.
Coding change: c.1168C>T on transcript NM_004153.4 (MANE Select); coding-DNA position 1168, C replaced by T.
Protein change: p.Arg390Trp; replaces arginine 390 with tryptophan.
Molecular consequence: missense variant.
Genome position (GRCh38, 1-based): chr1:52,389,236, G>A on the plus strand (C>T on the coding strand, the complement: ORC1 is on the minus strand). VCF-style: chr1-52389236-G-A. GRCh37 (hg19) VCF-style: chr1-52854908-G-A.
Other names: c.1168C>T, p.Arg390Trp (NM_001190818.2, NM_001190819.2); short protein forms R390W.
Identifiers: ClinVar variation 1929500 (VCV001929500.6), dbSNP rs780813183, ClinGen allele CA853414.

ClinVar aggregate classification (germline): Uncertain significance. Review status: criteria provided, multiple submitters, no conflicts (2 of 4 stars). 2 submissions from 2 submitters: Uncertain significance (2). Last evaluated 2022-06-03.

Conditions:
Inborn genetic diseases. Identifiers: MedGen C0950123, MeSH D030342.

Allele frequency attached by ClinVar (database versions not stated): TOPMed below 0.00001; ExAC 0.00002.
gnomAD v4.1: 12 of 1,613,910 alleles (0.00074%); highest among the groups gnomAD compares: South Asian, 0.0055%; no homozygotes.

Submissions (2):

Labcorp Genetics (formerly Invitae), Labcorp
Classification: Uncertain significance. Last evaluated: 2022-06-03. Review status: criteria provided, single submitter. Criteria: Invitae Variant Classification Sherloc (09022015). Collection method: clinical testing. Allele origin: germline.
Comment: In summary, the available evidence is currently insufficient to determine the role of this variant in disease. Therefore, it has been classified as a Variant of Uncertain Significance. Algorithms developed to predict the effect of missense changes on protein structure and function are either unavailable or do not agree on the potential impact of this missense change (SIFT: "Deleterious"; PolyPhen-2: "Probably Damaging"; Align-GVGD: "Class C15"). This variant has not been reported in the literature in individuals affected with ORC1-related conditions. This variant is present in population databases (rs780813183, gnomAD 0.01%). This sequence change replaces arginine, which is basic and polar, with tryptophan, which is neutral and slightly polar, at codon 390 of the ORC1 protein (p.Arg390Trp).

Ambry Genetics
Classification: Uncertain significance for Inborn genetic diseases. Last evaluated: 2021-10-20. Review status: criteria provided, single submitter. Criteria: Ambry Variant Classification Scheme 2023. Collection method: clinical testing. Allele origin: germline.